The following is an entry in ClinVar:

ClinVar aggregate classification (germline): Uncertain significance. Review status: criteria provided, multiple submitters, no conflicts (2 of 4 stars). 2 submissions from 2 submitters: Uncertain significance (2). Last evaluated 2024-06-23.

Conditions:
Inborn genetic diseases. Identifiers: MedGen C0950123, MeSH D030342.
Brachyolmia-amelogenesis imperfecta syndrome. Also called: Tooth agenesis, selective, 6; Dental anomalies and short stature; PLATYSPONDYLY WITH AMELOGENESIS IMPERFECTA. Identifiers: Orphanet 2899, MedGen C1832594, MONDO:0011018, OMIM 601216. Disease mechanism: loss of function.

Allele frequency attached by ClinVar (database versions not stated): gnomAD exomes below 0.00001; gnomAD 0.00001.
gnomAD v4.1: 7 of 1,561,704 alleles (0.00045%); highest among the groups gnomAD compares: Admixed American, 0.0018%; no homozygotes.

Submissions (2):

Ambry Genetics
Classification: Uncertain significance for Inborn genetic diseases. Last evaluated: 2024-06-23. Review status: criteria provided, single submitter. Criteria: Ambry Variant Classification Scheme 2023. Collection method: clinical testing. Allele origin: germline.
Comment: The p.E251G variant (also known as c.752A>G), located in coding exon 3 of the LTBP3 gene, results from an A to G substitution at nucleotide position 752. The glutamic acid at codon 251 is replaced by glycine, an amino acid with similar properties. This amino acid position is conserved. In addition, the in silico prediction for this alteration is inconclusive. Based on the available evidence, the clinical significance of this variant remains unclear.

Labcorp Genetics (formerly Invitae), Labcorp
Classification: Uncertain significance for Brachyolmia-amelogenesis imperfecta syndrome. Last evaluated: 2023-06-03. Review status: criteria provided, single submitter. Criteria: Invitae Variant Classification Sherloc (09022015). Collection method: clinical testing. Allele origin: germline.
Comment: In summary, the available evidence is currently insufficient to determine the role of this variant in disease. Therefore, it has been classified as a Variant of Uncertain Significance. An algorithm developed to predict the effect of missense changes on protein structure and function (PolyPhen-2) suggests that this variant is likely to be disruptive. This variant has not been reported in the literature in individuals affected with LTBP3-related conditions. This variant is not present in population databases (gnomAD no frequency). This sequence change replaces glutamic acid, which is acidic and polar, with glycine, which is neutral and non-polar, at codon 251 of the LTBP3 protein (p.Glu251Gly).

NM_001130144.3(LTBP3):c.752A>G (p.Glu251Gly)

Gene: LTBP3 (latent transforming growth factor beta binding protein 3; minus strand). Cytogenetic location: 11q13.1.
Variant type: single nucleotide variant.
Coding change: c.752A>G on transcript NM_001130144.3 (MANE Select); coding-DNA position 752, A replaced by G.
Protein change: p.Glu251Gly; replaces glutamic acid 251 with glycine.
Molecular consequence: missense variant.
Genome position (GRCh38, 1-based): chr11:65,553,813, T>C on the plus strand (A>G on the coding strand, the complement: LTBP3 is on the minus strand). VCF-style: chr11-65553813-T-C. GRCh37 (hg19) VCF-style: chr11-65321284-T-C.
Other names: c.752A>G (NM_001130144.2); c.401A>G, p.Glu134Gly (NM_001164266.1); c.752A>G, p.Glu251Gly (NM_021070.4); short protein forms E251G, E134G.
Identifiers: ClinVar variation 2780072 (VCV002780072.4), dbSNP rs1396166571, ClinGen allele CA381275872.